The following is an entry in ClinVar:

NM_138477.4(CDAN1):c.1945C>T (p.Arg649Trp)

Gene: CDAN1 (codanin 1; minus strand). Cytogenetic location: 15q15.2.
Variant type: single nucleotide variant.
Coding change: c.1945C>T on transcript NM_138477.4 (MANE Select); coding-DNA position 1945, C replaced by T.
Protein change: p.Arg649Trp; replaces arginine 649 with tryptophan.
Molecular consequence: missense variant.
Genome position (GRCh38, 1-based): chr15:42,730,987, G>A on the plus strand (C>T on the coding strand, the complement: CDAN1 is on the minus strand). VCF-style: chr15-42730987-G-A. GRCh37 (hg19) VCF-style: chr15-43023185-G-A.
Other names: p.Arg649Trp; short protein forms R649W.
Identifiers: ClinVar variation 4078205 (VCV004078205.3).
Genomic context (GRCh38, chr15:42,730,987, plus strand): 5'-GGCTCCTGAGGGCCAGAATGGAGTCCTGAAGCTCACCGGTCGGGGGAGGTTCAGGCCCCC[G>A]GTATGGCAGGAAAGCCACAAAGCCCAGGAATTTAGCCAAAAGTCTCAGGCTAAGAAGCAC-3'
Protein context (NP_612486.2, residues 639-659): FLGFVAFLPY[Arg649Trp]GPEPPPTGEL

ClinVar aggregate classification (germline): Uncertain significance. Review status: criteria provided, multiple submitters, no conflicts (2 of 4 stars). 3 submissions from 3 submitters: Uncertain significance (3). Last evaluated 2025-09-15.

Conditions:
Anemia, congenital dyserythropoietic, type 1a (CDAN1A). Also called: DYSERYTHROPOIETIC ANEMIA, CONGENITAL, TYPE Ia; CDAN1-Related Congenital Dyserythropoietic Anemia. Identifiers: MedGen C5574667, MONDO:0009135, OMIM 224120.

gnomAD v4.1: 53 of 1,614,030 alleles (0.0033%); highest among the groups gnomAD compares: African/African-American, 0.0093%; no homozygotes.

Submissions (3):

Mayo Clinic Laboratories, Mayo Clinic
Classification: Uncertain significance. Last evaluated: 2025-09-15. Review status: criteria provided, single submitter. Criteria: ACMG Guidelines, 2015. Collection method: clinical testing. Allele origin: germline. Observed: 1 variant allele.
Comment: PP3

Revvity Omics, Revvity
Classification: Uncertain significance for Anemia, congenital dyserythropoietic, type 1a. Last evaluated: 2024-04-15. Review status: criteria provided, single submitter. Criteria: ACMG Guidelines, 2015. Collection method: clinical testing. Allele origin: germline.

Blueprint Genetics
Classification: Uncertain significance. Last evaluated: 2023-11-27. Review status: criteria provided, single submitter. Criteria: ACMG Guidelines, 2015. Collection method: clinical testing. Allele origin: germline.

Literature cited by the submitters: PubMed 38666530 (cited by Mayo Clinic Laboratories, Mayo Clinic); PubMed 38864694 (cited by Mayo Clinic Laboratories, Mayo Clinic).